The following is an entry in ClinVar:

NM_003632.3(CNTNAP1):c.2184G>T (p.Leu728Phe)

Gene: CNTNAP1 (contactin associated protein 1; plus strand). Cytogenetic location: 17q21.2.
Variant type: single nucleotide variant.
Coding change: c.2184G>T on transcript NM_003632.3 (MANE Select); coding-DNA position 2184, G replaced by T.
Protein change: p.Leu728Phe; replaces leucine 728 with phenylalanine.
Molecular consequence: missense variant.
Genome position (GRCh38, 1-based): chr17:42,691,261, G>T. VCF-style: chr17-42691261-G-T. GRCh37 (hg19) VCF-style: chr17-40843279-G-T.
Other names: short protein forms L728F.
Identifiers: ClinVar variation 4848647 (VCV004848647.1).

ClinVar aggregate classification (germline): Uncertain significance (1 of 4 stars; one submission).

gnomAD v4.1: 8 of 1,614,198 alleles (0.0005%); highest among the groups gnomAD compares: Non-Finnish European, 0.00068%; no homozygotes.

Submission:

Women's Health and Genetics/Laboratory Corporation of America, LabCorp
Classification: Uncertain significance. Last evaluated: 2026-04-13. Review status: criteria provided, single submitter. Criteria: LabCorp Variant Classification Summary - May 2015. Collection method: clinical testing. Allele origin: germline.
Comment: Variant summary: CNTNAP1 c.2184G>T (p.Leu728Phe) results in a non-conservative amino acid change in the encoded protein sequence. Algorithms developed to predict the effect of missense changes on protein structure and function are either unavailable or do not agree on the potential impact of this missense change. The variant was absent in 250574 control chromosomes. The available data on variant occurrences in the general population are insufficient to allow any conclusion about variant significance. To our knowledge, no occurrence of c.2184G>T in individuals affected with CNTNAP1-related conditions and no experimental evidence demonstrating its impact on protein function have been reported. No submitters have cited clinical-significance assessments for this variant to ClinVar. Based on the evidence outlined above, the variant was classified as uncertain significance.